The following is an entry in ClinVar:

NM_001130823.3(DNMT1):c.946G>A (p.Glu316Lys)

Gene: DNMT1 (DNA methyltransferase 1; minus strand). Cytogenetic location: 19p13.2.
Variant type: single nucleotide variant.
Coding change: c.946G>A on transcript NM_001130823.3 (MANE Select); coding-DNA position 946, G replaced by A.
Protein change: p.Glu316Lys; replaces glutamic acid 316 with lysine.
Molecular consequence: missense variant.
Genome position (GRCh38, 1-based): chr19:10,162,729, C>T on the plus strand (G>A on the coding strand, the complement: DNMT1 is on the minus strand). VCF-style: chr19-10162729-C-T. GRCh37 (hg19) VCF-style: chr19-10273405-C-T.
Other names: c.946G>A (NM_001130823.2); c.898G>A, p.Glu300Lys (NM_001318730.2, NM_001379.4); c.583G>A, p.Glu195Lys (NM_001318731.2); short protein forms E316K, E195K, E300K.
Identifiers: ClinVar variation 848529 (VCV000848529.14), dbSNP rs200601847, ClinGen allele CA9188503.
Genomic context (GRCh38, chr19:10,162,729, plus strand): 5'-TTTCATCCTCGTCTTTTTCATCAGAAATCTGTGGATTTACTTTTTCAGGTTCTTTTTCTT[C>T]GGGCCTCCGTTTGGCAGCTCTGCAGGGTGAACAGATACACAGCAAGTAGCAGCTTAGAAA-3'
Protein context (NP_001124295.1, residues 306-326): PKDLAAKRRP[Glu316Lys]EKEPEKVNPQ

ClinVar aggregate classification (germline): Uncertain significance. Review status: criteria provided, multiple submitters, no conflicts (2 of 4 stars). 3 submissions from 3 submitters: Uncertain significance (3). Last evaluated 2026-08-24.

Conditions:
DNMT1-related disorder. Also called: DNMT1-related condition. Identifiers: MedGen CN381527.
Inborn genetic diseases. Identifiers: MedGen C0950123, MeSH D030342.
Hereditary sensory neuropathy-deafness-dementia syndrome. Also called: Hereditary Sensory and Autonomic Neuropathy Type 1E (HSAN1E); HSN IE; Hereditary sensory neuropathy type IE; NEUROPATHY, HEREDITARY SENSORY, WITH HEARING LOSS AND DEMENTIA. Identifiers: Orphanet 456318, MedGen C3279885, MONDO:0013584, OMIM 614116.

Allele frequency attached by ClinVar (database versions not stated): gnomAD 0.00001; ExAC 0.00002; gnomAD exomes 0.00002 and 0.00003; TOPMed 0.00003.
gnomAD v4.1: 45 of 1,613,390 alleles (0.0028%); highest among the groups gnomAD compares: East Asian, 0.0067%; no homozygotes.

Submissions (3):

PreventionGenetics, part of Exact Sciences
Classification: Uncertain significance for DNMT1-related condition. Last evaluated: 2026-08-24. Review status: criteria provided, single submitter. Criteria: ACMG Guidelines, 2015. Collection method: clinical testing. Allele origin: germline.
Comment: The DNMT1 c.946G>A variant is predicted to result in the amino acid substitution p.Glu316Lys. To our knowledge, this variant has not been reported in the literature. This variant is reported in 0.0054% of alleles in individuals of East Asian descent in gnomAD. Although we suspect that this variant may be benign, at this time, the clinical significance of this variant is uncertain due to the absence of conclusive functional and genetic evidence.

Labcorp Genetics (formerly Invitae), Labcorp
Classification: Uncertain significance for Hereditary sensory neuropathy-deafness-dementia syndrome. Last evaluated: 2022-10-17. Review status: criteria provided, single submitter. Criteria: Invitae Variant Classification Sherloc (09022015). Collection method: clinical testing. Allele origin: germline.
Comment: In summary, the available evidence is currently insufficient to determine the role of this variant in disease. Therefore, it has been classified as a Variant of Uncertain Significance. Algorithms developed to predict the effect of missense changes on protein structure and function output the following: SIFT: "Tolerated"; PolyPhen-2: "Benign"; Align-GVGD: "Class C0". The lysine amino acid residue is found in multiple mammalian species, which suggests that this missense change does not adversely affect protein function. ClinVar contains an entry for this variant (Variation ID: 848529). This variant has not been reported in the literature in individuals affected with DNMT1-related conditions. This variant is present in population databases (rs200601847, gnomAD 0.006%). This sequence change replaces glutamic acid, which is acidic and polar, with lysine, which is basic and polar, at codon 316 of the DNMT1 protein (p.Glu316Lys).

Ambry Genetics
Classification: Uncertain significance for Inborn genetic diseases. Last evaluated: 2019-12-19. Review status: criteria provided, single submitter. Criteria: Ambry Variant Classification Scheme 2023. Collection method: clinical testing. Allele origin: germline.
Comment: The p.E300K variant (also known as c.898G>A), located in coding exon 12 of the DNMT1 gene, results from a G to A substitution at nucleotide position 898. The glutamic acid at codon 300 is replaced by lysine, an amino acid with similar properties. This amino acid position is not well conserved in available vertebrate species, and lysine is the reference amino acid in other vertebrate species. In addition, this alteration is predicted to be tolerated by in silico analysis. Since supporting evidence is limited at this time, the clinical significance of this alteration remains unclear.